The following is an entry in ClinVar:

ClinVar aggregate classification (germline): Uncertain significance (1 of 4 stars; one submission).

gnomAD v4.1: 2 of 1,610,234 alleles (0.00012%); highest among the groups gnomAD compares: Non-Finnish European, 0.00017%; no homozygotes.

Submission:

Labcorp Genetics (formerly Invitae), Labcorp
Classification: Uncertain significance. Last evaluated: 2024-04-07. Review status: criteria provided, single submitter. Criteria: Invitae Variant Classification Sherloc (09022015). Collection method: clinical testing. Allele origin: germline.
Comment: This sequence change replaces methionine, which is neutral and non-polar, with lysine, which is basic and polar, at codon 400 of the LZTR1 protein (p.Met400Lys). This variant is not present in population databases (gnomAD no frequency). This variant has not been reported in the literature in individuals affected with LZTR1-related conditions. Advanced modeling of protein sequence and biophysical properties (such as structural, functional, and spatial information, amino acid conservation, physicochemical variation, residue mobility, and thermodynamic stability) performed at Invitae indicates that this missense variant is not expected to disrupt LZTR1 protein function with a negative predictive value of 80%. In summary, the available evidence is currently insufficient to determine the role of this variant in disease. Therefore, it has been classified as a Variant of Uncertain Significance.

NM_006767.4(LZTR1):c.1199T>A (p.Met400Lys)

Gene: LZTR1 (leucine zipper like post translational regulator 1; plus strand). Cytogenetic location: 22q11.21.
Variant type: single nucleotide variant.
Coding change: c.1199T>A on transcript NM_006767.4 (MANE Select); coding-DNA position 1199, T replaced by A.
Protein change: p.Met400Lys; replaces methionine 400 with lysine.
Molecular consequence: missense variant.
Genome position (GRCh38, 1-based): chr22:20,992,843, T>A. VCF-style: chr22-20992843-T-A. GRCh37 (hg19) VCF-style: chr22-21347132-T-A.
Other names: short protein forms M400K.
Identifiers: ClinVar variation 3649065 (VCV003649065.2).
Genomic context (GRCh38, chr22:20,992,843, plus strand): 5'-TTGTCCCCCAGCTGCCCAGTGGGAGGCTCTTCCACGCGGCTGCTGTCATCTCGGACGCCA[T>A]GTACATCTTCGGGGGCACGGTGGACAACAACATCCGCAGCGGGGAGATGTACAGGTTCCA-3'
Protein context (NP_006758.2, residues 390-410): FHAAAVISDA[Met400Lys]YIFGGTVDNN